The following is an entry in ClinVar:

ClinVar aggregate classification (germline): Benign/Likely benign. Review status: criteria provided, multiple submitters, no conflicts (2 of 4 stars). 5 submissions from 5 submitters: Benign (2); Likely benign (2). 1 of the submissions does not count toward it. Last evaluated 2026-05-13.

Conditions:
KBG syndrome (KBGS). Also called: ANKRD11-Related KBG Syndrome. Identifiers: Orphanet 2332, MedGen C0220687, MONDO:0007846, OMIM 148050.
ANKRD11-related disorder. Also called: ANKRD11-related condition.
Inborn genetic diseases. Identifiers: MedGen C0950123, MeSH D030342.

Allele frequency attached by ClinVar (database versions not stated): gnomAD exomes 0.00002; ExAC 0.00009; 1000 Genomes Project 30x 0.00016; 1000 Genomes Project 0.00020; gnomAD 0.00029; ESP Exome Variant Server 0.00031; TOPMed 0.00036.
gnomAD v4.1: 81 of 1,613,910 alleles (0.005%); highest among the groups gnomAD compares: African/African-American, 0.096%; 1 homozygote.

Submissions (5):

Women's Health and Genetics/Laboratory Corporation of America, LabCorp
Classification: Benign. Last evaluated: 2026-05-13. Review status: criteria provided, single submitter. Criteria: LabCorp Variant Classification Summary - May 2015. Collection method: clinical testing. Allele origin: germline.

Labcorp Genetics (formerly Invitae), Labcorp
Classification: Benign for KBG syndrome. Last evaluated: 2026-01-18. Review status: criteria provided, single submitter. Criteria: Invitae Variant Classification Sherloc (09022015). Collection method: clinical testing. Allele origin: germline.

Blueprint Genetics
Classification: Likely benign. Last evaluated: 2024-09-18. Review status: criteria provided, single submitter. Criteria: ACMG Guidelines, 2015. Collection method: clinical testing. Allele origin: germline.

Ambry Genetics
Classification: Likely benign for Inborn genetic diseases. Last evaluated: 2019-12-02. Review status: criteria provided, single submitter. Criteria: Ambry Variant Classification Scheme 2023. Collection method: clinical testing. Allele origin: germline.

PreventionGenetics, part of Exact Sciences
Classification: Likely benign for ANKRD11-related condition. Last evaluated: 2020-10-10. Review status: no assertion criteria provided. Collection method: clinical testing. Allele origin: germline. Not counted in ClinVar's aggregate classification.
Comment: This variant is classified as likely benign based on ACMG/AMP sequence variant interpretation guidelines (Richards et al. 2015 PMID: 25741868, with internal and published modifications).

NM_013275.6(ANKRD11):c.1254C>G (p.Val418=)

Gene: ANKRD11 (ankyrin repeat domain 11; minus strand). Cytogenetic location: 16q24.3.
Variant type: single nucleotide variant.
Coding change: c.1254C>G on transcript NM_013275.6 (MANE Select); coding-DNA position 1254, C replaced by G.
Protein change: p.Val418=; no amino-acid change (valine 418 retained).
Molecular consequence: synonymous variant.
Genome position (GRCh38, 1-based): chr16:89,285,288, G>C on the plus strand (C>G on the coding strand, the complement: ANKRD11 is on the minus strand). VCF-style: chr16-89285288-G-C. GRCh37 (hg19) VCF-style: chr16-89351696-G-C.
Other names: c.1254C>G, p.Val418= (NM_001256182.2, NM_001256183.2); c.1254C>G (NM_013275.5).
Identifiers: ClinVar variation 1761410 (VCV001761410.9), dbSNP rs148502635, ClinGen allele CA8242824.